The following is an entry in ClinVar:

ClinVar aggregate classification (germline): Pathogenic (1 of 4 stars; one submission).

Conditions:
Juvenile polyposis syndrome (JPS). Identifiers: Orphanet 2929, MedGen C0345893, MONDO:0017380, OMIM 174900.

Submission:

Myriad Genetics, Inc.
Classification: Pathogenic for Juvenile polyposis syndrome. Last evaluated: 2023-05-26. Review status: criteria provided, single submitter. Criteria: Myriad Autosomal Dominant, Autosomal Recessive and X-Linked Classification Criteria (2023). Collection method: clinical testing. Allele origin: unknown.
Comment: This variant is considered pathogenic. This variant creates a frameshift predicted to result in premature protein truncation.

NM_004329.3(BMPR1A):c.671del (p.Leu224fs)

Gene: BMPR1A (bone morphogenetic protein receptor type 1A; plus strand). Cytogenetic location: 10q23.2.
Variant type: Deletion.
Coding change: c.671del on transcript NM_004329.3 (MANE Select); coding-DNA position 671, one base deleted (T; older notation c.671delT).
Protein change: p.Leu224fs; shifts the reading frame from leucine 224.
Molecular consequence: frameshift variant. On other transcripts: non-coding transcript variant (3), intron variant (1).
Genome position (GRCh38, 1-based): chr10:86,912,380, T deleted; the last of 3 consecutive T bases (chr10:86,912,378-86,912,380); deleting any one gives the same sequence. VCF-style (leftmost placement, unchanged base first): chr10-86912377-CT-C. GRCh37 (hg19) VCF-style: chr10-88672134-CT-C.
Other names: c.671del, p.Leu224fs (NM_001406565.1, NM_001406566.1, NM_001406567.1 and 20 more transcripts); c.746del, p.Leu249fs (NM_001406559.1); c.719del, p.Leu240fs (NM_001406560.1); c.587del, p.Leu196fs (NM_001406584.1, NM_001406585.1, NM_001406586.1 and 2 more transcripts); c.334-4754del (NM_001406589.1); short protein forms L196fs, L224fs, L240fs, L249fs.
Identifiers: ClinVar variation 2583343 (VCV002583343.2), dbSNP rs2539574831, ClinGen allele CA2582342707.